The following is an entry in ClinVar:

ClinVar aggregate classification (germline): Uncertain significance. Review status: criteria provided, multiple submitters, no conflicts (2 of 4 stars). 2 submissions from 2 submitters: Uncertain significance (2). Last evaluated 2025-06-06.

Conditions:
Cornelia de Lange syndrome 3 (CDLS3). Also called: SMC3-Related Cornelia de Lange Syndrome; CORNELIA DE LANGE SYNDROME 3 WITH OR WITHOUT MIDLINE BRAIN DEFECTS. Identifiers: Orphanet 199, MedGen C1853099, MONDO:0012555, OMIM 610759.

Allele frequency attached by ClinVar (database versions not stated): gnomAD exomes 0.00001; ExAC 0.00002.

Submissions (2):

Labcorp Genetics (formerly Invitae), Labcorp
Classification: Uncertain significance for Cornelia de Lange syndrome 3. Last evaluated: 2025-06-06. Review status: criteria provided, single submitter. Criteria: Invitae Variant Classification Sherloc (09022015). Collection method: clinical testing. Allele origin: germline.
Comment: This sequence change replaces glycine, which is neutral and non-polar, with alanine, which is neutral and non-polar, at codon 856 of the SMC3 protein (p.Gly856Ala). This variant is present in population databases (rs745863058, gnomAD 0.01%). This variant has not been reported in the literature in individuals affected with SMC3-related conditions. ClinVar contains an entry for this variant (Variation ID: 3235035). Invitae Evidence Modeling of protein sequence and biophysical properties (such as structural, functional, and spatial information, amino acid conservation, physicochemical variation, residue mobility, and thermodynamic stability) indicates that this missense variant is not expected to disrupt SMC3 protein function with a negative predictive value of 95%. In summary, the available evidence is currently insufficient to determine the role of this variant in disease. Therefore, it has been classified as a Variant of Uncertain Significance.

Neuberg Centre For Genomic Medicine, NCGM
Classification: Uncertain significance for Cornelia de Lange syndrome 3. Review status: criteria provided, single submitter. Criteria: ACMG Guidelines, 2015. Collection method: clinical testing. Allele origin: germline. Inheritance: Autosomal dominant inheritance. Affected: yes.
Comment: The missense c.2567G>Cp.Gly856Ala variant in gene has not been reported previously as a pathogenic variant nor as a benign variant, to our knowledge. This variant is reported with the allele frequency of 0.002% in the gnomAD Exomes and novel in 1000 Genomes. The amino acid Gly at position 856 is changed to a Ala changing protein sequence and it might alter its composition and physico-chemical properties. The amino acid change p.Gly856Ala in SMC3 is predicted as conserved by GERP++ and PhyloP across 100 vertebrates. For these reasons, this variant has been classified as Uncertain Significance.

NM_005445.4(SMC3):c.2567G>C (p.Gly856Ala)

Gene: SMC3 (structural maintenance of chromosomes 3; plus strand). Cytogenetic location: 10q25.2.
Variant type: single nucleotide variant.
Coding change: c.2567G>C on transcript NM_005445.4 (MANE Select); coding-DNA position 2567, G replaced by C.
Protein change: p.Gly856Ala; replaces glycine 856 with alanine.
Molecular consequence: missense variant.
Genome position (GRCh38, 1-based): chr10:110,601,053, G>C. VCF-style: chr10-110601053-G-C. GRCh37 (hg19) VCF-style: chr10-112360811-G-C.
Other names: short protein forms G856A.
Identifiers: ClinVar variation 3235035 (VCV003235035.3), dbSNP rs745863058, ClinGen allele CA5688241.